The following is an entry in ClinVar:

NM_006755.2(TALDO1):c.10T>C (p.Ser4Pro)

Gene: TALDO1 (transaldolase 1; plus strand). Cytogenetic location: 11p15.5.
Variant type: single nucleotide variant.
Coding change: c.10T>C on transcript NM_006755.2 (MANE Select); coding-DNA position 10, T replaced by C.
Protein change: p.Ser4Pro; replaces serine 4 with proline.
Molecular consequence: missense variant.
Genome position (GRCh38, 1-based): chr11:747,491, T>C. VCF-style: chr11-747491-T-C. GRCh37 (hg19) VCF-style: chr11-747491-T-C.
Other names: c.10T>C (NM_006755.1); short protein forms S4P.
Identifiers: ClinVar variation 2714711 (VCV002714711.5), dbSNP rs765509037, ClinGen allele CA5787981.

ClinVar aggregate classification (germline): Likely benign. Review status: criteria provided, single submitter (1 of 4 stars). 2 submissions from 2 submitters: Likely benign (1). 1 of the submissions does not count toward it. Last evaluated 2025-12-19.

Conditions:
TALDO1-related disorder. Also called: TALDO1-related condition.

Allele frequency attached by ClinVar (database versions not stated): gnomAD exomes 0.00002; gnomAD 0.00007; TOPMed 0.00008; ExAC 0.00045.
gnomAD v4.1: 40 of 1,597,600 alleles (0.0025%); highest among the groups gnomAD compares: East Asian, 0.09%; no homozygotes.

Submissions (2):

Labcorp Genetics (formerly Invitae), Labcorp
Classification: Likely benign. Last evaluated: 2025-12-19. Review status: criteria provided, single submitter. Criteria: Invitae Variant Classification Sherloc (09022015). Collection method: clinical testing. Allele origin: germline.

PreventionGenetics, part of Exact Sciences
Classification: Likely benign for TALDO1-related condition. Last evaluated: 2023-10-18. Review status: no assertion criteria provided. Collection method: clinical testing. Allele origin: germline. Not counted in ClinVar's aggregate classification.
Comment: This variant is classified as likely benign based on ACMG/AMP sequence variant interpretation guidelines (Richards et al. 2015 PMID: 25741868, with internal and published modifications).